The following is an entry in ClinVar:

ClinVar aggregate classification (germline): Uncertain significance (1 of 4 stars; one submission).

Conditions:
Inborn genetic diseases. Identifiers: MedGen C0950123, MeSH D030342.

Submission:

Ambry Genetics
Classification: Uncertain significance for Inborn genetic diseases. Last evaluated: 2025-10-22. Review status: criteria provided, single submitter. Criteria: Ambry Variant Classification Scheme 2023. Collection method: clinical testing. Allele origin: germline.
Comment: The p.M215I variant (also known as c.645G>A), located in coding exon 1 of the SAMD9L gene, results from a G to A substitution at nucleotide position 645. The methionine at codon 215 is replaced by isoleucine, an amino acid with highly similar properties. This amino acid position is conserved. In addition, this alteration is predicted to be tolerated by in silico analysis. Based on the available evidence, the clinical significance of this variant remains unclear.

NM_152703.5(SAMD9L):c.645G>A (p.Met215Ile)

Gene: SAMD9L (sterile alpha motif domain containing 9 like; minus strand). Cytogenetic location: 7q21.2.
Variant type: single nucleotide variant.
Coding change: c.645G>A on transcript NM_152703.5 (MANE Select); coding-DNA position 645, G replaced by A.
Protein change: p.Met215Ile; replaces methionine 215 with isoleucine.
Molecular consequence: missense variant.
Genome position (GRCh38, 1-based): chr7:93,135,327, C>T on the plus strand (G>A on the coding strand, the complement: SAMD9L is on the minus strand). VCF-style: chr7-93135327-C-T. GRCh37 (hg19) VCF-style: chr7-92764640-C-T.
Other names: c.645G>A, p.Met215Ile (NM_001303496.3, NM_001303497.3, NM_001303498.3 and 5 more transcripts); short protein forms M215I.
Identifiers: ClinVar variation 4630072 (VCV004630072.1).